The following is an entry in ClinVar:

NM_199420.4(POLQ):c.4946T>C (p.Val1649Ala)

Gene: POLQ (DNA polymerase theta; minus strand). Cytogenetic location: 3q13.33.
Variant type: single nucleotide variant.
Coding change: c.4946T>C on transcript NM_199420.4 (MANE Select); coding-DNA position 4946, T replaced by C.
Protein change: p.Val1649Ala; replaces valine 1649 with alanine.
Molecular consequence: missense variant.
Genome position (GRCh38, 1-based): chr3:121,487,985, A>G on the plus strand (T>C on the coding strand, the complement: POLQ is on the minus strand). VCF-style: chr3-121487985-A-G. GRCh37 (hg19) VCF-style: chr3-121206832-A-G.
Other names: short protein forms V1649A.
Identifiers: ClinVar variation 1744298 (VCV001744298.2), dbSNP rs2546785334, ClinGen allele CA354093035.

ClinVar aggregate classification (germline): Uncertain significance (1 of 4 stars; one submission).

Submission:

Ambry Genetics
Classification: Uncertain significance. Last evaluated: 2022-03-08. Review status: criteria provided, single submitter. Criteria: Ambry Variant Classification Scheme 2023. Collection method: clinical testing. Allele origin: germline.
Comment: The p.V1649A variant (also known as c.4946T>C), located in coding exon 16 of the POLQ gene, results from a T to C substitution at nucleotide position 4946. The valine at codon 1649 is replaced by alanine, an amino acid with similar properties. This amino acid position is conserved. In addition, this alteration is predicted to be tolerated by in silico analysis. Since supporting evidence is limited at this time, the clinical significance of this alteration remains unclear.